The following is an entry in ClinVar:

NM_001042492.3(NF1):c.284C>A (p.Ala95Asp)

Gene: NF1 (neurofibromin 1; plus strand). Cytogenetic location: 17q11.2.
Variant type: single nucleotide variant.
Coding change: c.284C>A on transcript NM_001042492.3 (MANE Select); coding-DNA position 284, C replaced by A.
Protein change: p.Ala95Asp; replaces alanine 95 with aspartic acid.
Molecular consequence: missense variant.
Genome position (GRCh38, 1-based): chr17:31,159,089, C>A. VCF-style: chr17-31159089-C-A. GRCh37 (hg19) VCF-style: chr17-29486107-C-A.
Other names: c.284C>A, p.Ala95Asp (NM_000267.4, NM_001128147.3); short protein forms A95D.
Identifiers: ClinVar variation 2853099 (VCV002853099.3), dbSNP rs1567816119, ClinGen allele CA398989879.
Genomic context (GRCh38, chr17:31,159,089, plus strand): 5'-CTGAAAAAAATTTATATCTCTCTCAGTTGATTATATTGGATACACTGGAAAAATGTCTTG[C>A]TGGGGTAAGTAAATTGATCTTAAGTAGGCAGGCTTTGTGAATTTGATCTTGAGAATGATC-3'
Protein context (NP_001035957.1, residues 85-105): IILDTLEKCL[Ala95Asp]GQPKDTMRLD

ClinVar aggregate classification (germline): Uncertain significance (1 of 4 stars; one submission).

Conditions:
Neurofibromatosis, type 1 (NF1). Also called: VON RECKLINGHAUSEN DISEASE; Neurofibromatosis, type I; Peripheral type neurofibromatosis; NEUROFIBROMATOSIS, TYPE I, SOMATIC. Identifiers: Orphanet 636, MedGen C0027831, MONDO:0018975, OMIM 162200. Disease mechanism: loss of function.

Submission:

Labcorp Genetics (formerly Invitae), Labcorp
Classification: Uncertain significance for Neurofibromatosis, type 1. Last evaluated: 2023-04-07. Review status: criteria provided, single submitter. Criteria: Invitae Variant Classification Sherloc (09022015). Collection method: clinical testing. Allele origin: germline.
Comment: Advanced modeling of protein sequence and biophysical properties (such as structural, functional, and spatial information, amino acid conservation, physicochemical variation, residue mobility, and thermodynamic stability) performed at Invitae indicates that this missense variant is expected to disrupt NF1 protein function. In summary, the available evidence is currently insufficient to determine the role of this variant in disease. Therefore, it has been classified as a Variant of Uncertain Significance. This variant has not been reported in the literature in individuals affected with NF1-related conditions. This variant is not present in population databases (gnomAD no frequency). This sequence change replaces alanine, which is neutral and non-polar, with aspartic acid, which is acidic and polar, at codon 95 of the NF1 protein (p.Ala95Asp).